The following is an entry in ClinVar:

NM_001015877.2(PHF6):c.123G>A (p.Ala41=)

Gene: PHF6 (PHD finger protein 6; plus strand). Cytogenetic location: Xq26.2.
Variant type: single nucleotide variant.
Coding change: c.123G>A on transcript NM_001015877.2 (MANE Select); coding-DNA position 123, G replaced by A.
Protein change: p.Ala41=; no amino-acid change (alanine 41 retained).
Molecular consequence: synonymous variant.
Genome position (GRCh38, 1-based): chrX:134,377,740, G>A. VCF-style: chrX-134377740-G-A. GRCh37 (hg19) VCF-style: chrX-133511770-G-A.
Other names: c.123G>A, p.Ala41= (NM_032335.3, NM_032458.3).
Identifiers: ClinVar variation 1757918 (VCV001757918.4), dbSNP rs573685409, ClinGen allele CA10521139.
Genomic context (GRCh38, chrX:134,377,740, plus strand): 5'-GTCAAATAGAGACAAGGAATGTGGACAGTTACTAATATCTGAAAACCAGAAGGTGGCAGC[G>A]CACCATAAGTGCATGGTAAGTATACCGGCAGCAACAGAGACCTTGAAACGATTCATGAGA-3'
Protein context (NP_001015877.1, residues 31-51): LLISENQKVA[Ala41=]HHKCMLFSSA

ClinVar aggregate classification (germline): Likely benign. Review status: criteria provided, single submitter (1 of 4 stars). 2 submissions from 2 submitters: Likely benign (1). 1 of the submissions does not count toward it. Last evaluated 2018-07-30.

Conditions:
PHF6-related disorder. Also called: PHF6-related condition.
Inborn genetic diseases. Identifiers: MedGen C0950123, MeSH D030342.

Allele frequency attached by ClinVar (database versions not stated): ExAC 0.00001; TOPMed 0.00003; gnomAD 0.00004.
gnomAD v4.1: 12 of 1,206,007 alleles (0.001%); highest among the groups gnomAD compares: Middle Eastern, 0.023%; no homozygotes.

Submissions (2):

Ambry Genetics
Classification: Likely benign for Inborn genetic diseases. Last evaluated: 2018-07-30. Review status: criteria provided, single submitter. Criteria: Ambry Variant Classification Scheme 2023. Collection method: clinical testing. Allele origin: germline.

PreventionGenetics, part of Exact Sciences
Classification: Likely benign for PHF6-related condition. Last evaluated: 2020-10-05. Review status: no assertion criteria provided. Collection method: clinical testing. Allele origin: germline. Not counted in ClinVar's aggregate classification.
Comment: This variant is classified as likely benign based on ACMG/AMP sequence variant interpretation guidelines (Richards et al. 2015 PMID: 25741868, with internal and published modifications).